The following is an entry in ClinVar:

ClinVar aggregate classification (germline): Uncertain significance. Review status: reviewed by expert panel (3 of 4 stars). 2 submissions from 2 submitters: Uncertain significance (1). 1 of the submissions does not count toward it. Last evaluated 2024-07-25.

Conditions:
Hereditary thrombocytopenia and hematological cancer predisposition syndrome associated with RUNX1. Also called: PLATELET DISORDER, ASPIRIN-LIKE; RUNX1 Familial Platelet Disorder with Associated Myeloid Malignancies; Familial Platelet Disorder with Propensity to Acute Myelogenous Leukemia; Familial thrombocytopenia with propensity to acute myelogenous leukemia. Identifiers: Orphanet 71290, MedGen C1832388, MeSH C563324, MONDO:0100083, OMIM 601399.
Hereditary thrombocytopenia and hematologic cancer predisposition syndrome. Identifiers: Orphanet 71290, MedGen CN281654, MONDO:0011071.

Submissions (2):

ClinGen Myeloid Malignancy Variant Curation Expert Panel
Classification: Uncertain significance for Hereditary thrombocytopenia and hematologic cancer predisposition syndrome. Last evaluated: 2024-07-25. Review status: reviewed by expert panel. Criteria: ClinGen MyeloMalig ACMG Specifications v2. Collection method: curation. Allele origin: germline. Inheritance: Autosomal dominant inheritance.
Comment: NM_001754.5(RUNX1):c.389T>A (p.Val130Asp) is a missense variant which multiple lines of computational evidence (REVEL: 0.982; phyloP100way: 8.947) support as having a deleterious effect on the gene/gene product (PP3). In addition, this variant affects an amino acid residue between 89-204 within the RHD (PM1_supporting). This variant is completely absent from all population databases with at least 20x coverage for RUNX1 (PM2_supporting). In summary, the clinical significance of this variant is uncertain due to insufficient evidence. ACMG/AMP criteria applied, as specified by the Myeloid Malignancy Variant Curation Expert Panel for RUNX1: PP3, PM1_supporting, PM2_supporting.

ISTH-SSC Genomics in Thrombosis and Hemostasis, KU Leuven, Center for Molecular and Vascular Biology
Classification: Likely pathogenic for Hereditary thrombocytopenia and hematological cancer predisposition syndrome associated with RUNX1. Review status: no assertion criteria provided. Collection method: research. Allele origin: unknown. Affected: yes. Not counted in ClinVar's aggregate classification.
Comment: Submitted to GoldVariant by Dr Marie-Christine Morel-Kopp from Northern Blood Research Centre, Sydney, Australia

NM_001754.5(RUNX1):c.389T>A (p.Val130Asp)

Genes: RUNX1 (RUNX family transcription factor 1; minus strand), RUNX1-AS1 (RUNX1 antisense RNA 1; plus strand). Cytogenetic location: 21q22.12.
Variant type: single nucleotide variant.
Coding change: c.389T>A on transcript NM_001754.5 (MANE Select); coding-DNA position 389, T replaced by A.
Protein change: p.Val130Asp; replaces valine 130 with aspartic acid.
Molecular consequence: missense variant.
Genome position (GRCh38, 1-based): chr21:34,880,676, A>T on the plus strand (T>A on the coding strand, the complement: RUNX1 is on the minus strand). VCF-style: chr21-34880676-A-T. GRCh37 (hg19) VCF-style: chr21-36252973-A-T.
Other names: NM_001754.5(RUNX1):c.389T>A; p.Val130Asp; c.308T>A, p.Val103Asp (NM_001001890.3, NM_001122607.2); short protein forms V103D, V130D.
Identifiers: ClinVar variation 1684453 (VCV001684453.2), dbSNP rs2146363217, ClinGen allele CA410202716.